The following is an entry in ClinVar:

ClinVar aggregate classification (germline): Likely benign. Review status: criteria provided, multiple submitters, no conflicts (2 of 4 stars). 3 submissions from 3 submitters: Likely benign (3). Last evaluated 2026-01-26.

Conditions:
Ullrich congenital muscular dystrophy 2 (UCMD2). Identifiers: Orphanet 75840, MedGen C4225314, MONDO:0014654, OMIM 616470.
Bethlem myopathy 2 (BTHLM2). Identifiers: Orphanet 536516, Orphanet 610, MedGen C4225313, MONDO:0034022, OMIM 616471.

Allele frequency attached by ClinVar (database versions not stated): gnomAD exomes 0.00003 and 0.00002; TOPMed 0.00006; gnomAD 0.00006; ExAC 0.00003.
gnomAD v4.1: 35 of 1,613,804 alleles (0.0022%); highest among the groups gnomAD compares: Non-Finnish European, 0.0029%; no homozygotes.

Submissions (3):

Labcorp Genetics (formerly Invitae), Labcorp
Classification: Likely benign for Bethlem myopathy 2; Ullrich congenital muscular dystrophy 2. Last evaluated: 2026-01-26. Review status: criteria provided, single submitter. Criteria: Invitae Variant Classification Sherloc (09022015). Collection method: clinical testing. Allele origin: germline.

Mayo Clinic Laboratories, Mayo Clinic
Classification: Likely benign. Last evaluated: 2025-10-15. Review status: criteria provided, single submitter. Criteria: ACMG Guidelines, 2015. Collection method: clinical testing. Allele origin: germline. Observed: 1 variant allele.
Comment: BP4, BP7

Women's Health and Genetics/Laboratory Corporation of America, LabCorp
Classification: Likely benign. Last evaluated: 2025-03-21. Review status: criteria provided, single submitter. Criteria: LabCorp Variant Classification Summary - May 2015. Collection method: clinical testing. Allele origin: germline.

NM_004370.6(COL12A1):c.3219A>G (p.Glu1073=)

Gene: COL12A1 (collagen type XII alpha 1 chain; minus strand). Cytogenetic location: 6q13.
Variant type: single nucleotide variant.
Coding change: c.3219A>G on transcript NM_004370.6 (MANE Select); coding-DNA position 3219, A replaced by G.
Protein change: p.Glu1073=; no amino-acid change (glutamic acid 1073 retained).
Molecular consequence: synonymous variant. On other transcripts: intron variant (1).
Genome position (GRCh38, 1-based): chr6:75,156,288, T>C on the plus strand (A>G on the coding strand, the complement: COL12A1 is on the minus strand). VCF-style: chr6-75156288-T-C. GRCh37 (hg19) VCF-style: chr6-75866004-T-C.
Other names: p.Glu1073=; c.74-3806A>G (NM_080645.3).
Identifiers: ClinVar variation 766870 (VCV000766870.13), dbSNP rs201270183, ClinGen allele CA3893782.